The following is an entry in ClinVar:

NM_000535.7(PMS2):c.149del (p.Gly50fs)

Gene: PMS2 (PMS1 homolog 2, mismatch repair system component; minus strand). Cytogenetic location: 7p22.1.
Variant type: Deletion.
Coding change: c.149del on transcript NM_000535.7 (MANE Select); coding-DNA position 149, one base deleted (G; older notation c.149delG).
Protein change: p.Gly50fs; shifts the reading frame from glycine 50.
Molecular consequence: frameshift variant. On other transcripts: 5 prime UTR variant (38), non-coding transcript variant (1), intron variant (7).
Genome position (GRCh38, 1-based): chr7:6,005,906, C deleted on the plus strand (G on the coding strand, the reverse complement: PMS2 is on the minus strand); the first of 2 consecutive C bases (chr7:6,005,906-6,005,907); deleting either gives the same sequence. VCF-style (leftmost placement, unchanged base first): chr7-6005905-AC-A. GRCh37 (hg19) VCF-style: chr7-6045536-AC-A.
Other names: c.-258delG (NM_001018040.1); c.-257del (NM_001322003.2, NM_001322005.2, NM_001322009.2 and 10 more transcripts); c.149del, p.Gly50fs (NM_001322006.2, NM_001322014.2, NM_001406868.1 and 10 more transcripts); c.-67del (NM_001322007.2, NM_001406876.1, NM_001406883.1 and 4 more transcripts); c.-736del (NM_001322011.2, NM_001322012.2); c.-336del (NM_001322015.2, NM_001406875.1, NM_001406877.1 and 2 more transcripts); c.335del, p.Gly112fs (NM_001406866.1); c.-283del (NM_001406880.1); and 8 more; short protein forms G112fs, G50fs.
Identifiers: ClinVar variation 2674230 (VCV002674230.1), dbSNP rs2536581397, ClinGen allele CA2695198449.

ClinVar aggregate classification (germline): Pathogenic (1 of 4 stars; one submission).

Conditions:
Lynch syndrome 4 (LYNCH4). Also called: Hereditary non-polyposis colorectal cancer, type 4; Colorectal cancer, hereditary nonpolyposis, type 4. Identifiers: Orphanet 144, MedGen C1838333, MONDO:0013699, OMIM 614337. Disease mechanism: loss of function.

Submission:

Myriad Genetics, Inc.
Classification: Pathogenic for Lynch syndrome 4. Last evaluated: 2023-09-18. Review status: criteria provided, single submitter. Criteria: Myriad Autosomal Dominant, Autosomal Recessive and X-Linked Classification Criteria (2023). Collection method: clinical testing. Allele origin: unknown.
Comment: This variant is considered pathogenic. This variant creates a frameshift predicted to result in premature protein truncation.